The following is an entry in ClinVar:

ClinVar aggregate classification (germline): Uncertain significance (1 of 4 stars; one submission).

Conditions:
Chédiak-Higashi syndrome (CHS). Also called: Chediak-Higashi Syndrome. Identifiers: Orphanet 167, MedGen C0007965, MONDO:0008963, OMIM 214500.

gnomAD v4.1: 8 of 1,613,846 alleles (0.0005%); highest among the groups gnomAD compares: African/African-American, 0.0093%; no homozygotes.

Submission:

Labcorp Genetics (formerly Invitae), Labcorp
Classification: Uncertain significance for Chédiak-Higashi syndrome. Last evaluated: 2025-08-15. Review status: criteria provided, single submitter. Criteria: Invitae Variant Classification Sherloc (09022015). Collection method: clinical testing. Allele origin: germline.
Comment: This sequence change replaces phenylalanine, which is neutral and non-polar, with cysteine, which is neutral and slightly polar, at codon 3065 of the LYST protein (p.Phe3065Cys). This variant is present in population databases (no rsID available, gnomAD 0.01%). This variant has not been reported in the literature in individuals affected with LYST-related conditions. ClinVar contains an entry for this variant (Variation ID: 3606177). Invitae Evidence Modeling of protein sequence and biophysical properties (such as structural, functional, and spatial information, amino acid conservation, physicochemical variation, residue mobility, and thermodynamic stability) indicates that this missense variant is expected to disrupt LYST protein function with a positive predictive value of 80%. In summary, the available evidence is currently insufficient to determine the role of this variant in disease. Therefore, it has been classified as a Variant of Uncertain Significance.

NM_000081.4(LYST):c.9194T>G (p.Phe3065Cys)

Gene: LYST (lysosomal trafficking regulator; minus strand). Cytogenetic location: 1q42.3.
Variant type: single nucleotide variant.
Coding change: c.9194T>G on transcript NM_000081.4 (MANE Select); coding-DNA position 9194, T replaced by G.
Protein change: p.Phe3065Cys; replaces phenylalanine 3065 with cysteine.
Molecular consequence: missense variant.
Genome position (GRCh38, 1-based): chr1:235,724,149, A>C on the plus strand (T>G on the coding strand, the complement: LYST is on the minus strand). VCF-style: chr1-235724149-A-C. GRCh37 (hg19) VCF-style: chr1-235887449-A-C.
Other names: c.9194T>G, p.Phe3065Cys (NM_001301365.1); short protein forms F3065C.
Identifiers: ClinVar variation 3606177 (VCV003606177.2).